The following is an entry in ClinVar:

NM_004817.4(TJP2):c.3423G>A (p.Glu1141=)

Gene: TJP2 (tight junction protein 2; plus strand). Cytogenetic location: 9q21.11.
Variant type: single nucleotide variant.
Coding change: c.3423G>A on transcript NM_004817.4 (MANE Select); coding-DNA position 3423, G replaced by A.
Protein change: p.Glu1141=; no amino-acid change (glutamic acid 1141 retained).
Molecular consequence: synonymous variant.
Genome position (GRCh38, 1-based): chr9:69,254,224, G>A. VCF-style: chr9-69254224-G-A. GRCh37 (hg19) VCF-style: chr9-71869140-G-A.
Other names: c.2913G>A, p.Glu971= (NM_001170414.2); c.3324G>A, p.Glu1108= (NM_001170415.1); c.3516G>A, p.Glu1172= (NM_001170416.2); c.3348G>A, p.Glu1116= (NM_001369870.1); c.3354G>A, p.Glu1118= (NM_001369871.1); c.3312G>A, p.Glu1104= (NM_001369872.1); c.3099G>A, p.Glu1033= (NM_001369873.1); c.2994G>A, p.Glu998= (NM_001369874.1); and 2 more.
Identifiers: ClinVar variation 3061205 (VCV003061205.2), dbSNP rs756610092, ClinGen allele CA465254806.
Genomic context (GRCh38, chr9:69,254,224, plus strand): 5'-ACATGGATGTGCTCTGGAATGTCTTTAACACCCTTTTTTTGTTAGTTCCAGACCCCCTGA[G>A]CCACAGAAAGCTCCTTCCAGACCTTATCAGGATACCAGAGGAAGTTATGGCAGTGATGCC-3'
Protein context (NP_004808.2, residues 1131-1151): TPQHTSSRPP[Glu1141=]PQKAPSRPYQ

ClinVar aggregate classification (germline): Likely benign (0 of 4 stars; one submission).

Conditions:
TJP2-related disorder. Also called: TJP2-related condition.

Submission:

PreventionGenetics, part of Exact Sciences
Classification: Likely benign for TJP2-related condition. Last evaluated: 2024-02-20. Review status: no assertion criteria provided. Collection method: clinical testing. Allele origin: germline.
Comment: This variant is classified as likely benign based on ACMG/AMP sequence variant interpretation guidelines (Richards et al. 2015 PMID: 25741868, with internal and published modifications).